The following is an entry in ClinVar:

NM_002282.3(KRT83):c.239C>T (p.Pro80Leu)

Gene: KRT83 (keratin 83; minus strand). Cytogenetic location: 12q13.13.
Variant type: single nucleotide variant.
Coding change: c.239C>T on transcript NM_002282.3 (MANE Select); coding-DNA position 239, C replaced by T.
Protein change: p.Pro80Leu; replaces proline 80 with leucine.
Molecular consequence: missense variant.
Genome position (GRCh38, 1-based): chr12:52,321,097, G>A on the plus strand (C>T on the coding strand, the complement: KRT83 is on the minus strand). VCF-style: chr12-52321097-G-A. GRCh37 (hg19) VCF-style: chr12-52714881-G-A.
Other names: short protein forms P80L.
Identifiers: ClinVar variation 2373065 (VCV002373065.6), dbSNP rs150875897, ClinGen allele CA6577767.

ClinVar aggregate classification (germline): Uncertain significance. Review status: criteria provided, multiple submitters, no conflicts (2 of 4 stars). 2 submissions from 2 submitters: Uncertain significance (2). Last evaluated 2025-03-31.

Allele frequency attached by ClinVar (database versions not stated): 1000 Genomes Project 0.00020; ESP Exome Variant Server 0.00023; ExAC 0.00007; 1000 Genomes Project 30x 0.00031.

Submissions (2):

Labcorp Genetics (formerly Invitae), Labcorp
Classification: Uncertain significance. Last evaluated: 2025-03-31. Review status: criteria provided, single submitter. Criteria: Invitae Variant Classification Sherloc (09022015). Collection method: clinical testing. Allele origin: germline.
Comment: This sequence change replaces proline, which is neutral and non-polar, with leucine, which is neutral and non-polar, at codon 80 of the KRT83 protein (p.Pro80Leu). This variant is present in population databases (rs150875897, gnomAD 0.07%), and has an allele count higher than expected for a pathogenic variant. This variant has not been reported in the literature in individuals affected with KRT83-related conditions. ClinVar contains an entry for this variant (Variation ID: 2373065). An algorithm developed to predict the effect of missense changes on protein structure and function (PolyPhen-2) suggests that this variant is likely to be tolerated. In summary, the available evidence is currently insufficient to determine the role of this variant in disease. Therefore, it has been classified as a Variant of Uncertain Significance.

Ambry Genetics
Classification: Uncertain significance. Last evaluated: 2024-11-23. Review status: criteria provided, single submitter. Criteria: Ambry Variant Classification Scheme 2023. Collection method: clinical testing. Allele origin: germline.